The following is an entry in ClinVar:

NM_005751.5(AKAP9):c.4367C>A (p.Ala1456Asp)

Gene: AKAP9 (A-kinase anchoring protein 9; plus strand). Cytogenetic location: 7q21.2.
Variant type: single nucleotide variant.
Coding change: c.4367C>A on transcript NM_005751.5 (MANE Select); coding-DNA position 4367, C replaced by A.
Protein change: p.Ala1456Asp; replaces alanine 1456 with aspartic acid.
Molecular consequence: missense variant.
Genome position (GRCh38, 1-based): chr7:92,038,447, C>A. VCF-style: chr7-92038447-C-A. GRCh37 (hg19) VCF-style: chr7-91667761-C-A.
Other names: c.4367C>A, p.Ala1456Asp (NM_147185.3); short protein forms A1456D.
Identifiers: ClinVar variation 931764 (VCV000931764.5), dbSNP rs763748052, ClinGen allele CA4336569.

ClinVar aggregate classification (germline): Uncertain significance. Review status: criteria provided, multiple submitters, no conflicts (2 of 4 stars). 3 submissions from 3 submitters: Uncertain significance (3). Last evaluated 2025-08-12.

Conditions:
Long QT syndrome 11 (LQT11). Identifiers: Orphanet 101016, Orphanet 768, MedGen C2678483, MONDO:0012738, OMIM 611820.
Cardiovascular phenotype. Identifiers: MedGen CN230736.

Allele frequency attached by ClinVar (database versions not stated): ExAC 0.00001; gnomAD 0.00001.
gnomAD v4.1: 4 of 1,613,468 alleles (0.00025%); highest among the groups gnomAD compares: African/African-American, 0.0013%; no homozygotes.

Submissions (3):

Ambry Genetics
Classification: Uncertain significance for Cardiovascular phenotype. Last evaluated: 2025-08-12. Review status: criteria provided, single submitter. Criteria: Ambry Variant Classification Scheme 2023. Collection method: clinical testing. Allele origin: germline.
Comment: The p.A1456D variant (also known as c.4367C>A), located in coding exon 17 of the AKAP9 gene, results from a C to A substitution at nucleotide position 4367. The alanine at codon 1456 is replaced by aspartic acid, an amino acid with dissimilar properties. This amino acid position is conserved. In addition, the in silico prediction for this alteration is inconclusive. Based on the available evidence, the clinical significance of this variant remains unclear.

Fulgent Genetics
Classification: Uncertain significance for Long QT syndrome 11. Last evaluated: 2021-08-17. Review status: criteria provided, single submitter. Criteria: ACMG Guidelines, 2015. Collection method: clinical testing. Allele origin: unknown.

Centre for Mendelian Genomics, University Medical Centre Ljubljana
Classification: Uncertain significance for Long QT syndrome 11. Last evaluated: 2019-08-21. Review status: criteria provided, single submitter. Criteria: ACMG Guidelines, 2015. Collection method: clinical testing. Allele origin: unknown. Affected: yes.
Comment: This variant was classified as: Uncertain significance. The available evidence on this variant's pathogenicity is insufficient or conflicting. The following ACMG criteria were applied in classifying this variant: PM2,PP3.